The following is an entry in ClinVar:

ClinVar aggregate classification (germline): Pathogenic/Likely pathogenic. Review status: criteria provided, multiple submitters, no conflicts (2 of 4 stars). 4 submissions from 4 submitters: Pathogenic (1); Likely pathogenic (3). Last evaluated 2024-11-21.

Conditions:
PNKP-related disorder. Also called: PNKP-related condition; PNKP-related disorders.

Allele frequency attached by ClinVar (database versions not stated): TOPMed 0.00001; gnomAD exomes 0.00003 and 0.00008; ExAC 0.00033.
gnomAD v4.1: 51 of 1,589,730 alleles (0.0032%); highest among the groups gnomAD compares: Non-Finnish European, 0.0038%; no homozygotes.

Submissions (4):

GeneDx
Classification: Likely pathogenic. Last evaluated: 2024-11-21. Review status: criteria provided, single submitter. Criteria: GeneDx Variant Classification Process June 2021. Collection method: clinical testing. Allele origin: germline. Affected: yes.
Comment: In silico analysis supports that this missense variant has a deleterious effect on protein structure/function; This variant is associated with the following publications: (PMID: 22508754, 33332469, 34040816, 27066586, 30956058, 27165045)

Blueprint Genetics
Classification: Pathogenic for PNKP-related disorders. Last evaluated: 2024-07-29. Review status: criteria provided, single submitter. Criteria: ACMG Guidelines, 2015. Collection method: clinical testing. Allele origin: germline. Affected: yes. Observed: 5 variant alleles.

Clinical Genetics Laboratory, Skane University Hospital Lund
Classification: Likely pathogenic. Last evaluated: 2022-12-27. Review status: criteria provided, single submitter. Criteria: ACMG Guidelines, 2015. Collection method: clinical testing. Allele origin: germline. Affected: yes.

Clinical Genetics and Genomics, Karolinska University Hospital
Classification: Likely pathogenic. Last evaluated: 2015-02-19. Review status: criteria provided, single submitter. Criteria: ACMG Guidelines, 2015. Collection method: clinical testing. Allele origin: germline. Affected: yes. Observed: 2 variant alleles.

NM_007254.4(PNKP):c.1196T>C (p.Leu399Pro)

Gene: PNKP (polynucleotide kinase 3'-phosphatase; minus strand). Cytogenetic location: 19q13.33.
Variant type: single nucleotide variant.
Coding change: c.1196T>C on transcript NM_007254.4 (MANE Select); coding-DNA position 1196, T replaced by C.
Protein change: p.Leu399Pro; replaces leucine 399 with proline.
Molecular consequence: missense variant.
Genome position (GRCh38, 1-based): chr19:49,861,874, A>G on the plus strand (T>C on the coding strand, the complement: PNKP is on the minus strand). VCF-style: chr19-49861874-A-G. GRCh37 (hg19) VCF-style: chr19-50365131-A-G.
Other names: c.1196T>C (NM_007254.2); short protein forms L399P.
Identifiers: ClinVar variation 988277 (VCV000988277.4), dbSNP rs766816785, ClinGen allele CA9586517.